The following is an entry in ClinVar:

ClinVar aggregate classification (germline): Benign. Review status: criteria provided, multiple submitters, no conflicts (2 of 4 stars). 2 submissions from 2 submitters: Benign (2). Last evaluated 2018-01-13.

Conditions:
Glycogen storage disease due to lactate dehydrogenase M-subunit deficiency (GSD11). Also called: GSD XI; LACTATE DEHYDROGENASE A DEFICIENCY; Glycogen storage disease XI. Identifiers: Orphanet 284426, MedGen C2931743, MONDO:0013047, OMIM 612933.

Allele frequency attached by ClinVar (database versions not stated): 1000 Genomes Project 0.49840; gnomAD 0.48668 and 0.47986; gnomAD exomes 0.54738 and 0.54968; TOPMed 0.46480; ExAC 0.54839; 1000 Genomes Project 30x 0.48907.

Submissions (2):

Illumina Laboratory Services, Illumina
Classification: Benign for Glycogen storage disease due to lactate dehydrogenase M-subunit deficiency. Last evaluated: 2018-01-13. Review status: criteria provided, single submitter. Criteria: ICSL Variant Classification Criteria 13 December 2019. Collection method: clinical testing. Allele origin: germline.
Comment: This variant was observed in the ICSL laboratory as part of a predisposition screen in an ostensibly healthy population. It had not been previously curated by ICSL or reported in the Human Gene Mutation Database (HGMD: prior to June 1st, 2018), and was therefore a candidate for classification through an automated scoring system. Utilizing variant allele frequency, disease prevalence and penetrance estimates, and inheritance mode, an automated score was calculated to assess if this variant is too frequent to cause the disease. Based on the score and internal cut-off values, a variant classified as benign is not then subjected to further curation. The score for this variant resulted in a classification of benign for this disease.

Breakthrough Genomics
Classification: Benign. Review status: criteria provided, single submitter. Criteria: ACMG Guidelines, 2015. Collection method: not provided. Allele origin: germline. Inheritance: Autosomal recessive inheritance. Affected: yes.

NM_005566.4(LDHA):c.*622A>G

Gene: LDHA (lactate dehydrogenase A; plus strand). Cytogenetic location: 11p15.1.
Variant type: single nucleotide variant.
Coding change: c.*622A>G on transcript NM_005566.4 (MANE Select); 622 bases downstream of the stop codon, A replaced by G.
Molecular consequence: 3 prime UTR variant. On other transcripts: non-coding transcript variant (1).
Genome position (GRCh38, 1-based): chr11:18,407,903, A>G. VCF-style: chr11-18407903-A-G. GRCh37 (hg19) VCF-style: chr11-18429450-A-G.
Other names: c.*622A>G (NM_001135239.2, NM_001165414.2); c.*527A>G (NM_001165415.2); c.*771A>G (NM_001165416.2).
Identifiers: ClinVar variation 303925 (VCV000303925.6), dbSNP rs3758681, ClinGen allele CA5911497.
Genomic context (GRCh38, chr11:18,407,903, plus strand): 5'-AGTGACTACTTTGGTTAATTCATTATATTAAGATATAAAGTCATAAAGCTGCTAGTTATT[A>G]TATTAATTTGGAAATATTAGGCTATTCTTGGGCAACCCTGCAACGATTTTTTCTAACAGG-3'